The following is an entry in ClinVar:

NM_001303.4(COX10):c.504G>A (p.Leu168=)

Gene: COX10 (cytochrome c oxidase assembly factor heme A:farnesyltransferase COX10; plus strand). Cytogenetic location: 17p12.
Variant type: single nucleotide variant.
Coding change: c.504G>A on transcript NM_001303.4 (MANE Select); coding-DNA position 504, G replaced by A.
Protein change: p.Leu168=; no amino-acid change (leucine 168 retained).
Molecular consequence: synonymous variant.
Genome position (GRCh38, 1-based): chr17:14,102,122, G>A. VCF-style: chr17-14102122-G-A. GRCh37 (hg19) VCF-style: chr17-14005439-G-A.
Other names: p.L168L:CTG>CTA.
Identifiers: ClinVar variation 137003 (VCV000137003.23), dbSNP rs2159132, ClinGen allele CA290466.
Genomic context (GRCh38, chr17:14,102,122, plus strand): 5'-TTTACAGTTGGGACTCCTGTTGGTAACAGTGTGTCTGCTCTGTTTCTGTATCGCAGCTCT[G>A]GTTGTAAGTACCACTGCAGCTGGATTTGCATTGGCTCCGGGCCCTTTTGACTGGCCCTGT-3'
Protein context (NP_001294.2, residues 158-178): ARLSKIKLTA[Leu168=]VVSTTAAGFA

ClinVar aggregate classification (germline): Benign. Review status: criteria provided, multiple submitters, no conflicts (2 of 4 stars). 11 submissions from 10 submitters: Benign (8). 3 of the submissions do not count toward it. Last evaluated 2026-02-07.

Conditions:
Leigh syndrome (NULS). Also called: Leigh's syndrome; Leigh Disease; Subacute necrotizing encephalopathy; Necrotizing encephalopathy infantile subacute of Leigh; Leigh's necrotizing encephalopathy; Leigh's disease. Identifiers: Orphanet 506, MedGen C2931891, MONDO:0009723, OMIM 256000.
Mitochondrial complex IV deficiency, nuclear type 1 (MC4DN1). Also called: Mitochondrial complex IV deficiency; Complex 4 mitochondrial respiratory chain deficiency; Deficiency of mitochondrial respiratory chain complex4; Complex IV deficiency; COX DEFICIENCY. Identifiers: MedGen C5435656, MONDO:0700250, OMIM 220110. Disease mechanism: loss of function.

Allele frequency attached by ClinVar (database versions not stated): 1000 Genomes Project 30x 0.49157; 1000 Genomes Project 0.49181; gnomAD exomes 0.51774 and 0.55558; ExAC 0.52231; TOPMed 0.53026; gnomAD 0.53171 and 0.53492; ESP Exome Variant Server 0.55551.
gnomAD v4.1: 892,208 of 1,613,070 alleles (55%); highest among the groups gnomAD compares: Middle Eastern, 59%; 249,101 homozygotes.

Submissions (11):

Women's Health and Genetics/Laboratory Corporation of America, LabCorp
Classification: Benign. Last evaluated: 2026-02-07. Review status: criteria provided, single submitter. Criteria: LabCorp Variant Classification Summary - May 2015. Collection method: clinical testing. Allele origin: germline.

Labcorp Genetics (formerly Invitae), Labcorp
Classification: Benign. Last evaluated: 2026-02-03. Review status: criteria provided, single submitter. Criteria: Invitae Variant Classification Sherloc (09022015). Collection method: clinical testing. Allele origin: germline.

Blueprint Genetics
Classification: Benign. Last evaluated: 2024-11-28. Review status: criteria provided, single submitter. Criteria: ACMG Guidelines, 2015. Collection method: clinical testing. Allele origin: germline.

Mendelics
Classification: Benign for Mitochondrial complex IV deficiency, nuclear type 1. Last evaluated: 2019-05-28. Review status: criteria provided, single submitter. Criteria: Mendelics Assertion Criteria 2017. Collection method: clinical testing. Allele origin: unknown.

Illumina Laboratory Services, Illumina
Classification: Benign for Mitochondrial complex IV deficiency, nuclear type 1. Last evaluated: 2018-01-13. Review status: criteria provided, single submitter. Criteria: ICSL Variant Classification Criteria 13 December 2019. Collection method: clinical testing. Allele origin: germline.
Comment: This variant was observed in the ICSL laboratory as part of a predisposition screen in an ostensibly healthy population. It had not been previously curated by ICSL or reported in the Human Gene Mutation Database (HGMD: prior to June 1st, 2018), and was therefore a candidate for classification through an automated scoring system. Utilizing variant allele frequency, disease prevalence and penetrance estimates, and inheritance mode, an automated score was calculated to assess if this variant is too frequent to cause the disease. Based on the score and internal cut-off values, a variant classified as benign is not then subjected to further curation. The score for this variant resulted in a classification of benign for this disease.

Illumina Laboratory Services, Illumina
Classification: Benign for Leigh syndrome. Last evaluated: 2018-01-13. Review status: criteria provided, single submitter. Criteria: ICSL Variant Classification Criteria 13 December 2019. Collection method: clinical testing. Allele origin: germline.
Comment: the same text as in the submission from Illumina Laboratory Services, Illumina above.

GeneDx
Classification: Benign. Last evaluated: 2011-07-01. Review status: criteria provided, single submitter. Criteria: GeneDx Variant Classification (06012015). Collection method: clinical testing. Allele origin: germline. Affected: yes.
Comment: This variant is considered likely benign or benign based on one or more of the following criteria: it is a conservative change, it occurs at a poorly conserved position in the protein, it is predicted to be benign by multiple in silico algorithms, and/or has population frequency not consistent with disease.

Breakthrough Genomics
Classification: Benign. Review status: criteria provided, single submitter. Criteria: ACMG Guidelines, 2015. Collection method: not provided. Allele origin: germline. Inheritance: Autosomal recessive inheritance. Affected: yes.

Mayo Clinic Laboratories, Mayo Clinic
Classification: Benign. Last evaluated: 2016-02-15. Review status: no assertion criteria provided. Collection method: clinical testing. Allele origin: unknown. Not counted in ClinVar's aggregate classification.

Clinical Genetics, Academic Medical Center
Classification: Benign. Review status: no assertion criteria provided. Collection method: clinical testing. Allele origin: germline. Affected: yes. Study: VKGL Data-share Consensus. Not counted in ClinVar's aggregate classification.

Diagnostic Laboratory, Department of Genetics, University Medical Center Groningen
Classification: Benign. Review status: no assertion criteria provided. Collection method: clinical testing. Allele origin: germline. Affected: yes. Study: VKGL Data-share Consensus. Not counted in ClinVar's aggregate classification.